The following is an entry in ClinVar:

ClinVar aggregate classification (germline): Uncertain significance. Review status: criteria provided, multiple submitters, no conflicts (2 of 4 stars). 2 submissions from 2 submitters: Uncertain significance (2). Last evaluated 2025-12-09.

Conditions:
Inborn genetic diseases. Identifiers: MedGen C0950123, MeSH D030342.

Allele frequency attached by ClinVar (database versions not stated): gnomAD 0.00002 and 0.00003; gnomAD exomes 0.00002 and 0.00004; ExAC 0.00004; TOPMed 0.00004; ESP Exome Variant Server 0.00008.
gnomAD v4.1: 65 of 1,613,606 alleles (0.004%); highest among the groups gnomAD compares: Middle Eastern, 0.033%; no homozygotes.

Submissions (2):

Labcorp Genetics (formerly Invitae), Labcorp
Classification: Uncertain significance. Last evaluated: 2025-12-09. Review status: criteria provided, single submitter. Criteria: Invitae Variant Classification Sherloc (09022015). Collection method: clinical testing. Allele origin: germline.
Comment: This sequence change replaces glycine, which is neutral and non-polar, with serine, which is neutral and polar, at codon 176 of the LAMC3 protein (p.Gly176Ser). This variant is present in population databases (rs373575232, gnomAD 0.004%). This variant has not been reported in the literature in individuals affected with LAMC3-related conditions. ClinVar contains an entry for this variant (Variation ID: 1421694). An algorithm developed to predict the effect of missense changes on protein structure and function (PolyPhen-2) suggests that this variant is likely to be disruptive. In summary, the available evidence is currently insufficient to determine the role of this variant in disease. Therefore, it has been classified as a Variant of Uncertain Significance.

Ambry Genetics
Classification: Uncertain significance for Inborn genetic diseases. Last evaluated: 2022-12-28. Review status: criteria provided, single submitter. Criteria: Ambry Variant Classification Scheme 2023. Collection method: clinical testing. Allele origin: germline.

NM_006059.4(LAMC3):c.526G>A (p.Gly176Ser)

Gene: LAMC3 (laminin subunit gamma 3; plus strand). Cytogenetic location: 9q34.12.
Variant type: single nucleotide variant.
Coding change: c.526G>A on transcript NM_006059.4 (MANE Select); coding-DNA position 526, G replaced by A.
Protein change: p.Gly176Ser; replaces glycine 176 with serine.
Molecular consequence: missense variant.
Genome position (GRCh38, 1-based): chr9:131,026,437, G>A. VCF-style: chr9-131026437-G-A. GRCh37 (hg19) VCF-style: chr9-133901824-G-A.
Other names: c.526G>A (NM_006059.3); short protein forms G176S.
Identifiers: ClinVar variation 1421694 (VCV001421694.6), dbSNP rs373575232, ClinGen allele CA5286719.
Genomic context (GRCh38, chr9:131,026,437, plus strand): 5'-CCATGGGAGCCCTACCAGTTCTACAGCGCCTCCTGCCAGAAGACCTACGGCCGGCCCGAG[G>A]GCCAGTACCTGCGCCCCGGCGAGGACGAGCGCGTGGCCTTCTGCACCTCTGAGTTCAGCG-3'
Protein context (NP_006050.3, residues 166-186): SCQKTYGRPE[Gly176Ser]QYLRPGEDER